The following is an entry in ClinVar:

ClinVar aggregate classification (germline): Uncertain significance. Review status: criteria provided, multiple submitters, no conflicts (2 of 4 stars). 2 submissions from 2 submitters: Uncertain significance (2). Last evaluated 2025-09-09.

Conditions:
Hereditary cancer-predisposing syndrome. Also called: Hereditary neoplastic syndrome; Hereditary Cancer Syndrome; Tumor predisposition; Neoplastic Syndromes, Hereditary. Identifiers: Orphanet 140162, MedGen C0027672, MeSH D009386, MONDO:0015356.
Hereditary pheochromocytoma and paraganglioma. Also called: Hereditary pheochromocytoma-paraganglioma; Hereditary Paraganglioma-Pheochromocytoma Syndromes; Hereditary paragangliomas and pheochromocytomas. Identifiers: Orphanet 29072, MedGen C4274332, MONDO:0017366.

Submissions (2):

Ambry Genetics
Classification: Uncertain significance for Hereditary cancer-predisposing syndrome. Last evaluated: 2025-09-09. Review status: criteria provided, single submitter. Criteria: Ambry Variant Classification Scheme 2023. Collection method: clinical testing. Allele origin: germline.
Comment: The c.444_447delCAAA variant, located in coding exon 4 of the SDHAF2 gene, results from a deletion of 4 nucleotides at nucleotide positions 444 to 447, causing a translational frameshift with a predicted alternate stop codon (p.N148Kfs*34). This alteration occurs at the 3' terminus of theSDHAF2 gene, is not expected to trigger nonsense-mediated mRNAdecay and results in the elongation of the protein by 14 amino acids. This frameshift impacts the last 19 amino acidsamino acids of the native protein. The exact functional effect of the altered amino acids is unknown. Based on the available evidence, the clinical significance of this variant remains unclear.

Labcorp Genetics (formerly Invitae), Labcorp
Classification: Uncertain significance for Hereditary pheochromocytoma and paraganglioma. Last evaluated: 2023-04-14. Review status: criteria provided, single submitter. Criteria: Invitae Variant Classification Sherloc (09022015). Collection method: clinical testing. Allele origin: germline.
Comment: In summary, the available evidence is currently insufficient to determine the role of this variant in disease. Therefore, it has been classified as a Variant of Uncertain Significance. Experimental studies and prediction algorithms are not available or were not evaluated, and the functional significance of this variant is currently unknown. ClinVar contains an entry for this variant (Variation ID: 943078). This variant has not been reported in the literature in individuals affected with SDHAF2-related conditions. This variant is not present in population databases (gnomAD no frequency). This sequence change results in a frameshift in the SDHAF2 gene (p.Asn148Lysfs*34). While this is not anticipated to result in nonsense mediated decay, it is expected to disrupt the last 19 amino acid(s) of the SDHAF2 protein and extend the protein by 14 additional amino acid residues.

NM_017841.4(SDHAF2):c.444_447del (p.Asn148fs)

Gene: SDHAF2 (succinate dehydrogenase complex assembly factor 2; plus strand). Cytogenetic location: 11q12.2.
Variant type: Deletion.
Coding change: c.444_447del on transcript NM_017841.4 (MANE Select); coding-DNA positions 444 to 447, 4 bases deleted (CAAA; older notation c.444_447delCAAA).
Protein change: p.Asn148fs; shifts the reading frame from asparagine 148.
Molecular consequence: frameshift variant.
Genome position (GRCh38, 1-based): chr11:61,446,014-61,446,017, CAAA deleted; deleting any 4 consecutive bases within chr11:61,446,011-61,446,017 gives the same sequence; the c. name uses the placement nearest the transcript's 3' end. VCF-style (leftmost placement, unchanged base first): chr11-61446010-AAAAC-A. GRCh37 (hg19) VCF-style: chr11-61213482-AAAAC-A.
Other names: c.444_447delCAAA (NM_017841.2); short protein forms N148fs.
Identifiers: ClinVar variation 943078 (VCV000943078.10), dbSNP rs1862132755, ClinGen allele CA1139661971.